The following is an entry in ClinVar:

ClinVar aggregate classification (germline): Uncertain significance (0 of 4 stars; one submission).

gnomAD v4.1: 2 of 1,614,118 alleles (0.00012%); highest among the groups gnomAD compares: African/African-American, 0.0013%; no homozygotes.

Submission:

Department of Pathology and Laboratory Medicine, Sinai Health System
Classification: Uncertain significance. Review status: no assertion criteria provided. Collection method: clinical testing. Allele origin: unknown. Affected: yes. Study: The Canadian Open Genetics Repository (COGR).
Comment: The BBS9 p.(Pro534Arg) variant was not identified in the literature nor was it identified in the ClinVar, Cosmic, MutDB or LOVD 3.0 databases. The variant was identified in dbSNP (ID: rs759571062) and in control databases in 1 of 246244 chromosomes at a frequency of 0.000004 (Genome Aggregation Database Feb 27, 2017). The variant was observed in the following population: European (Non-Finnish) in 1 of 111698 chromosomes (freq: 0.000009); it was not observed in the African, Ashkenazi Jewish, East Asian, European (Finnish), Latino, Other and South Asian populations. Variation in the BBS9 gene is associated with Bardet-Biedl syndrome 9. The p.(Pro534Arg) residue is conserved in mammals but not in more distantly related organisms and computational analyses (SIFT, PolyPhen-2, AlignGVGD, MutationTaster, BLOSUM) provide inconsistent predictions regarding the impact to the protein. However, this information is not predictive enough to rule out pathogenicity. In summary, based on the above information the clinical significance of this variant cannot be determined with certainty at this time. This variant is classified as a variant of uncertain significance.

NM_198428.3(BBS9):c.2072C>G (p.Pro691Arg)

Gene: BBS9 (Bardet-Biedl syndrome 9; plus strand). Cytogenetic location: 7p14.3.
Variant type: single nucleotide variant.
Coding change: c.2072C>G on transcript NM_198428.3 (MANE Select); coding-DNA position 2072, C replaced by G.
Protein change: p.Pro691Arg; replaces proline 691 with arginine.
Molecular consequence: missense variant. On other transcripts: non-coding transcript variant (3).
Genome position (GRCh38, 1-based): chr7:33,388,101, C>G. VCF-style: chr7-33388101-C-G. GRCh37 (hg19) VCF-style: chr7-33427713-C-G.
Other names: c.1967C>G, p.Pro656Arg (NM_001033604.2); c.2057C>G, p.Pro686Arg (NM_001033605.2); c.2072C>G, p.Pro691Arg (NM_001348036.1, NM_001348041.4, NM_001348043.3 and 1 more transcripts); c.1706C>G, p.Pro569Arg (NM_001348037.3, NM_001348045.3, NM_001348046.3); c.1799C>G, p.Pro600Arg (NM_001348038.3); c.1694C>G, p.Pro565Arg (NM_001348039.3); c.1952C>G, p.Pro651Arg (NM_001348040.3, NM_014451.4); c.1937C>G, p.Pro646Arg (NM_001348042.3); and 1 more; short protein forms P534R, P565R, P569R, P600R, P646R, P651R, P656R, P686R.
Identifiers: ClinVar variation 1049502 (VCV001049502.1), dbSNP rs759571062, ClinGen allele CA367254006.
Genomic context (GRCh38, chr7:33,388,101, plus strand): 5'-TACAATTTCGGGCCATTCAACGCCGGCTACTAGCAAGATTCAAAGATAAAACTCCTGCCC[C>G]TCTTCAACACCTGGACACCTTGTTAGATGGAACCTACAAGCAGGTCAGTATAATATCAGT-3'
Protein context (NP_940820.1, residues 681-701): LARFKDKTPA[Pro691Arg]LQHLDTLLDG